The following is an entry in ClinVar:

NM_000258.3(MYL3):c.*3C>T

Gene: MYL3 (myosin light chain 3; minus strand). Cytogenetic location: 3p21.31.
Variant type: single nucleotide variant.
Coding change: c.*3C>T on transcript NM_000258.3 (MANE Select); 3 bases downstream of the stop codon, C replaced by T.
Molecular consequence: 3 prime UTR variant.
Genome position (GRCh38, 1-based): chr3:46,858,241, G>A on the plus strand (C>T on the coding strand, the complement: MYL3 is on the minus strand). VCF-style: chr3-46858241-G-A. GRCh37 (hg19) VCF-style: chr3-46899731-G-A.
Identifiers: ClinVar variation 922298 (VCV000922298.3), dbSNP rs748154150, ClinGen allele CA044040.

ClinVar aggregate classification (germline): Benign. Review status: criteria provided, multiple submitters, no conflicts (2 of 4 stars). 2 submissions from 2 submitters: Benign (2). Last evaluated 2023-11-02.

Conditions:
Cardiomyopathy (CMYO). Also called: Cardiomyopathies. Identifiers: Orphanet 167848, MedGen C0878544, MONDO:0004994, HP:0001638. Inheritance: Various modes of inheritance.
Hypertrophic cardiomyopathy. Also called: HYPERTROPHIC MYOCARDIOPATHY. Identifiers: Orphanet 217569, MedGen C0007194, MeSH D002312, MONDO:0005045, HP:0001639.

Allele frequency attached by ClinVar (database versions not stated): gnomAD exomes 0.00001 and 0.00004; gnomAD 0.00002; TOPMed 0.00002; ExAC 0.00004.
gnomAD v4.1: 15 of 1,614,070 alleles (0.00093%); highest among the groups gnomAD compares: East Asian, 0.025%; no homozygotes.

Submissions (2):

All of Us Research Program, National Institutes of Health
Classification: Benign for Hypertrophic cardiomyopathy. Last evaluated: 2023-11-02. Review status: criteria provided, single submitter. Criteria: ACMG Guidelines, 2015. Collection method: clinical testing. Allele origin: germline. Inheritance: Autosomal dominant inheritance. Observed: 2 variant alleles, 2 heterozygotes.
Comment: This study involves interpretation of variants in research participants for the purpose of population health screening. Participant phenotype was not available at the time of variant classification. Additional details can be found in publication PMID: 35346344, PMCID: PMC8962531

Color Diagnostics, LLC DBA Color Health
Classification: Benign for Cardiomyopathy. Last evaluated: 2020-01-28. Review status: criteria provided, single submitter. Criteria: ACMG Guidelines, 2015. Collection method: clinical testing. Allele origin: germline.